The following is an entry in ClinVar:

ClinVar aggregate classification (germline): Uncertain significance. Review status: criteria provided, multiple submitters, no conflicts (2 of 4 stars). 2 submissions from 2 submitters: Uncertain significance (2). Last evaluated 2025-10-27.

Conditions:
Hereditary cancer-predisposing syndrome. Also called: Hereditary Cancer Syndrome; Tumor predisposition; Neoplastic Syndromes, Hereditary; Hereditary neoplastic syndrome. Identifiers: Orphanet 140162, MedGen C0027672, MeSH D009386, MONDO:0015356.
Cardiovascular phenotype. Identifiers: MedGen CN230736.
Neurofibromatosis, type 1 (NF1). Also called: VON RECKLINGHAUSEN DISEASE; Neurofibromatosis, type I; NEUROFIBROMATOSIS, TYPE I, SOMATIC; Peripheral type neurofibromatosis. Identifiers: Orphanet 636, MedGen C0027831, MONDO:0018975, OMIM 162200. Disease mechanism: loss of function.

Submissions (2):

Labcorp Genetics (formerly Invitae), Labcorp
Classification: Uncertain significance for Neurofibromatosis, type 1. Last evaluated: 2025-10-27. Review status: criteria provided, single submitter. Criteria: Invitae Variant Classification Sherloc (09022015). Collection method: clinical testing. Allele origin: germline.
Comment: This sequence change replaces asparagine, which is neutral and polar, with tyrosine, which is neutral and polar, at codon 905 of the NF1 protein (p.Asn905Tyr). This variant is not present in population databases (gnomAD no frequency). This variant has not been reported in the literature in individuals affected with NF1-related conditions. ClinVar contains an entry for this variant (Variation ID: 3237693). Invitae Evidence Modeling of protein sequence and biophysical properties (such as structural, functional, and spatial information, amino acid conservation, physicochemical variation, residue mobility, and thermodynamic stability) has been performed for this missense variant. However, the output from this modeling did not meet the statistical confidence thresholds required to predict the impact of this variant on NF1 protein function. In summary, the available evidence is currently insufficient to determine the role of this variant in disease. Therefore, it has been classified as a Variant of Uncertain Significance.

Ambry Genetics
Classification: Uncertain significance for Cardiovascular phenotype; Hereditary cancer-predisposing syndrome. Last evaluated: 2024-01-11. Review status: criteria provided, single submitter. Criteria: Ambry Variant Classification Scheme 2023. Collection method: clinical testing. Allele origin: germline.
Comment: The p.N905Y variant (also known as c.2713A>T), located in coding exon 21 of the NF1 gene, results from an A to T substitution at nucleotide position 2713. The asparagine at codon 905 is replaced by tyrosine, an amino acid with dissimilar properties. This amino acid position is conserved. In addition, the in silico prediction for this alteration is inconclusive. Since supporting evidence is limited at this time, the clinical significance of this alteration remains unclear.

NM_001042492.3(NF1):c.2713A>T (p.Asn905Tyr)

Gene: NF1 (neurofibromin 1; plus strand). Cytogenetic location: 17q11.2.
Variant type: single nucleotide variant.
Coding change: c.2713A>T on transcript NM_001042492.3 (MANE Select); coding-DNA position 2713, A replaced by T.
Protein change: p.Asn905Tyr; replaces asparagine 905 with tyrosine.
Molecular consequence: missense variant.
Genome position (GRCh38, 1-based): chr17:31,229,328, A>T. VCF-style: chr17-31229328-A-T. GRCh37 (hg19) VCF-style: chr17-29556346-A-T.
Other names: c.2713A>T, p.Asn905Tyr (NM_000267.4); short protein forms N905Y.
Identifiers: ClinVar variation 3237693 (VCV003237693.2), dbSNP rs2151429501.